The following is an entry in ClinVar:

ClinVar aggregate classification (germline): Uncertain significance (1 of 4 stars; one submission).

Conditions:
Spermatogenic failure 18. Identifiers: MedGen C4539783, MONDO:0054615, OMIM 617576.
Ciliary dyskinesia, primary, 37 (CILD37). Also called: CILIARY DYSKINESIA, PRIMARY, 37, WITH OR WITHOUT SITUS INVERSUS. Identifiers: MedGen C4539798, MONDO:0033204, OMIM 617577.

Allele frequency attached by ClinVar (database versions not stated): gnomAD exomes below 0.00001; ExAC 0.00003; gnomAD 0.00004; TOPMed 0.00004; 1000 Genomes Project 30x 0.00031.
gnomAD v4.1: 12 of 1,577,566 alleles (0.00076%); highest among the groups gnomAD compares: African/African-American, 0.015%; no homozygotes.

Submission:

Labcorp Genetics (formerly Invitae), Labcorp
Classification: Uncertain significance for Ciliary dyskinesia, primary, 37; Spermatogenic failure 18. Last evaluated: 2022-02-10. Review status: criteria provided, single submitter. Criteria: Invitae Variant Classification Sherloc (09022015). Collection method: clinical testing. Allele origin: germline.
Comment: The frequency data for this variant in the population databases is considered unreliable, as metrics indicate poor data quality at this position in the gnomAD database. This sequence change replaces glutamic acid, which is acidic and polar, with aspartic acid, which is acidic and polar, at codon 493 of the DNAH1 protein (p.Glu493Asp). This variant has not been reported in the literature in individuals affected with DNAH1-related conditions. In summary, the available evidence is currently insufficient to determine the role of this variant in disease. Therefore, it has been classified as a Variant of Uncertain Significance. Algorithms developed to predict the effect of missense changes on protein structure and function output the following: SIFT: "Tolerated"; PolyPhen-2: "Benign"; Align-GVGD: "Class C0". The aspartic acid amino acid residue is found in multiple mammalian species, which suggests that this missense change does not adversely affect protein function.

NM_015512.5(DNAH1):c.1479G>T (p.Glu493Asp)

Gene: DNAH1 (dynein axonemal heavy chain 1; plus strand). Cytogenetic location: 3p21.1.
Variant type: single nucleotide variant.
Coding change: c.1479G>T on transcript NM_015512.5 (MANE Select); coding-DNA position 1479, G replaced by T.
Protein change: p.Glu493Asp; replaces glutamic acid 493 with aspartic acid.
Molecular consequence: missense variant.
Genome position (GRCh38, 1-based): chr3:52,345,529, G>T. VCF-style: chr3-52345529-G-T. GRCh37 (hg19) VCF-style: chr3-52379545-G-T.
Other names: short protein forms E493D.
Identifiers: ClinVar variation 2161004 (VCV002161004.4), dbSNP rs746537722, ClinGen allele CA2432984.